The following is an entry in ClinVar:

NM_002693.3(POLG):c.1674C>G (p.Leu558=)

Gene: POLG (DNA polymerase gamma, catalytic subunit; minus strand). Cytogenetic location: 15q26.1.
Variant type: single nucleotide variant.
Coding change: c.1674C>G on transcript NM_002693.3 (MANE Select); coding-DNA position 1674, C replaced by G.
Protein change: p.Leu558=; no amino-acid change (leucine 558 retained).
Molecular consequence: synonymous variant.
Genome position (GRCh38, 1-based): chr15:89,326,650, G>C on the plus strand (C>G on the coding strand, the complement: POLG is on the minus strand). VCF-style: chr15-89326650-G-C. GRCh37 (hg19) VCF-style: chr15-89869881-G-C.
Other names: p.L558L:CTC>CTG; c.1674C>G, p.Leu558= (NM_001126131.2).
Identifiers: ClinVar variation 206501 (VCV000206501.14), dbSNP rs552085869, ClinGen allele CA316648.

ClinVar aggregate classification (germline): Benign/Likely benign. Review status: criteria provided, multiple submitters, no conflicts (2 of 4 stars). 5 submissions from 5 submitters: Benign (1); Likely benign (3). 1 of the submissions does not count toward it. Last evaluated 2026-04-01.

Conditions:
POLG-related disorder. Also called: POLG-Related Spectrum Disorders; POLG-related condition; POLG-Related Disorders. Identifiers: MedGen C4763519.
Progressive sclerosing poliodystrophy (MTDPS4A). Also called: Mitochondrial DNA depletion syndrome 4A (Alpers type); Mitochondrial DNA Depletion Syndrome 4A; ALPERS PROGRESSIVE INFANTILE POLIODYSTROPHY; Alpers-Huttenlocher Syndrome; Alpers Syndrome; ALPERS DIFFUSE DEGENERATION OF CEREBRAL GRAY MATTER WITH HEPATIC CIRRHOSIS. Identifiers: Orphanet 726, MedGen C0205710, MONDO:0008758, OMIM 203700.

Allele frequency attached by ClinVar (database versions not stated): gnomAD below 0.00001 and 0.00003; TOPMed below 0.00001; 1000 Genomes Project 0.00020; 1000 Genomes Project 30x 0.00031.
gnomAD v4.1: 87 of 1,614,108 alleles (0.0054%); highest among the groups gnomAD compares: South Asian, 0.092%; 1 homozygote.

Submissions (5):

CeGaT Center for Human Genetics Tuebingen
Classification: Likely benign. Last evaluated: 2026-04-01. Review status: criteria provided, single submitter. Criteria: CeGaT Center For Human Genetics Tuebingen Variant Classification Criteria Version 2. Collection method: clinical testing. Allele origin: germline. Affected: yes. Observed: 1 variant allele.
Comment: POLG: BP4, BP7

Labcorp Genetics (formerly Invitae), Labcorp
Classification: Likely benign for Progressive sclerosing poliodystrophy. Last evaluated: 2026-01-28. Review status: criteria provided, single submitter. Criteria: Invitae Variant Classification Sherloc (09022015). Collection method: clinical testing. Allele origin: germline.

Wong Mito Lab, Molecular and Human Genetics, Baylor College of Medicine
Classification: Likely benign for Progressive sclerosing poliodystrophy. Last evaluated: 2018-10-01. Review status: criteria provided, single submitter. Criteria: ACMG Guidelines, 2015. Collection method: clinical testing. Allele origin: germline.
Comment: The NM_002693.2:c.1674C>G (NP_002684.1:p.Leu558=) [GRCH38: NC_000015.10:g.89326650G>C] variant in POLG gene is interpretated to be a Likely Benign based on ACMG guidelines (PMID: 25741868). This variant meets the following evidence codes reported in the ACMG-guideline. BP4:Computational evidence/predictors indicate no impact on the POLG structure, function, or protein-protein interaction. BP7:The variant is silent with non predicted splice impact. Based on the evidence criteria codes applied, the variant is suggested to be Likely Benign.

GeneDx
Classification: Benign. Last evaluated: 2014-09-18. Review status: criteria provided, single submitter. Criteria: GeneDx Variant Classification (06012015). Collection method: clinical testing. Allele origin: germline. Affected: yes.
Comment: This variant is considered likely benign or benign based on one or more of the following criteria: it is a conservative change, it occurs at a poorly conserved position in the protein, it is predicted to be benign by multiple in silico algorithms, and/or has population frequency not consistent with disease.

PreventionGenetics, part of Exact Sciences
Classification: Likely benign for POLG-related condition. Last evaluated: 2020-03-03. Review status: no assertion criteria provided. Collection method: clinical testing. Allele origin: germline. Not counted in ClinVar's aggregate classification.
Comment: This variant is classified as likely benign based on ACMG/AMP sequence variant interpretation guidelines (Richards et al. 2015 PMID: 25741868, with internal and published modifications).